The following is an entry in ClinVar:

ClinVar aggregate classification (germline): Benign/Likely benign. Review status: criteria provided, multiple submitters, no conflicts (2 of 4 stars). 4 submissions from 4 submitters: Benign (1); Likely benign (2). 1 of the submissions does not count toward it. Last evaluated 2025-04-17.

Conditions:
Tumoral calcinosis, hyperphosphatemic, familial, 3. Identifiers: MedGen C4693864, MONDO:0060715, OMIM 617994.

Allele frequency attached by ClinVar (database versions not stated): TOPMed 0.00020; gnomAD 0.00021 and 0.00027; ESP Exome Variant Server 0.00031; gnomAD exomes 0.00052 and 0.00059; 1000 Genomes Project 30x 0.00109; 1000 Genomes Project 0.00120; ExAC 0.00073.
gnomAD v4.1: 797 of 1,612,916 alleles (0.049%); highest among the groups gnomAD compares: South Asian, 0.32%; 2 homozygotes.

Submissions (4):

Labcorp Genetics (formerly Invitae), Labcorp
Classification: Benign. Last evaluated: 2025-04-17. Review status: criteria provided, single submitter. Criteria: Invitae Variant Classification Sherloc (09022015). Collection method: clinical testing. Allele origin: germline.

CeGaT Center for Human Genetics Tuebingen
Classification: Likely benign. Last evaluated: 2023-12-01. Review status: criteria provided, single submitter. Criteria: CeGaT Center For Human Genetics Tuebingen Variant Classification Criteria Version 2. Collection method: clinical testing. Allele origin: germline. Affected: yes. Observed: 1 variant allele.
Comment: KL: BP4, BP7

Illumina Laboratory Services, Illumina
Classification: Likely benign for Tumoral calcinosis, hyperphosphatemic, familial, 3. Last evaluated: 2018-01-12. Review status: criteria provided, single submitter. Criteria: ICSL Variant Classification Criteria 13 December 2019. Collection method: clinical testing. Allele origin: germline.
Comment: This variant was observed in the ICSL laboratory as part of a predisposition screen in an ostensibly healthy population. It had not been previously curated by ICSL or reported in the Human Gene Mutation Database (HGMD: prior to June 1st, 2018), and was therefore a candidate for classification through an automated scoring system. Utilizing variant allele frequency, disease prevalence and penetrance estimates, and inheritance mode, an automated score was calculated to assess if this variant is too frequent to cause the disease. Based on the score and internal cut-off values, a variant classified as likely benign is not then subjected to further curation. The score for this variant resulted in a classification of likely benign for this disease.

Martin Pollak Laboratory,  Beth Israel Deaconess Medical Center
Classification: Uncertain significance. Review status: no assertion criteria provided. Collection method: not provided. Allele origin: unknown. Not counted in ClinVar's aggregate classification.
Comment: Lower and higher UCa2+ groups
ClinVar note: Converted during submission from unknown to Uncertain significance.

NM_004795.4(KL):c.387C>T (p.Tyr129=)

Gene: KL (klotho; plus strand). Cytogenetic location: 13q13.1.
Variant type: single nucleotide variant.
Coding change: c.387C>T on transcript NM_004795.4 (MANE Select); coding-DNA position 387, C replaced by T.
Protein change: p.Tyr129=; no amino-acid change (tyrosine 129 retained).
Molecular consequence: synonymous variant.
Genome position (GRCh38, 1-based): chr13:33,016,827, C>T. VCF-style: chr13-33016827-C-T. GRCh37 (hg19) VCF-style: chr13-33590965-C-T.
Identifiers: ClinVar variation 64550 (VCV000064550.35), dbSNP rs373385333, ClinGen allele CA216385.
Genomic context (GRCh38, chr13:33,016,827, plus strand): 5'-GCCGTTGGGCGCCCCGTCGCCGCTGCAGCCCGCCACCGGGGACGTAGCCAGCGACAGCTA[C>T]AACAACGTCTTCCGCGACACGGAGGCGCTGCGCGAGCTCGGGGTCACTCACTACCGCTTC-3'
Protein context (NP_004786.2, residues 119-139): PATGDVASDS[Tyr129=]NNVFRDTEAL